The following is an entry in ClinVar:

NM_000334.4(SCN4A):c.5105A>T (p.Glu1702Val)

Genes: GH-LCR (growth hormone locus control region; plus strand), SCN4A (sodium voltage-gated channel alpha subunit 4; minus strand). Cytogenetic location: 17q23.3.
Variant type: single nucleotide variant.
Coding change: c.5105A>T on transcript NM_000334.4 (MANE Select); coding-DNA position 5105, A replaced by T.
Protein change: p.Glu1702Val; replaces glutamic acid 1702 with valine.
Molecular consequence: missense variant.
Genome position (GRCh38, 1-based): chr17:63,941,177, T>A on the plus strand (A>T on the coding strand, the complement: SCN4A is on the minus strand). VCF-style: chr17-63941177-T-A. GRCh37 (hg19) VCF-style: chr17-62018537-T-A.
Other names: short protein forms E1702V.
Identifiers: ClinVar variation 654237 (VCV000654237.9), dbSNP rs1555600604, ClinGen allele CA400614061.

ClinVar aggregate classification (germline): Uncertain significance (1 of 4 stars; one submission).

Conditions:
Hyperkalemic periodic paralysis. Also called: Familial hyperkalemic periodic paralysis; Gamstorp disease. Identifiers: Orphanet 682, MedGen C0238357, MONDO:0008224, OMIM 170500, HP:0007215.

Submission:

Labcorp Genetics (formerly Invitae), Labcorp
Classification: Uncertain significance for Hyperkalemic periodic paralysis. Last evaluated: 2019-06-20. Review status: criteria provided, single submitter. Criteria: Invitae Variant Classification Sherloc (09022015). Collection method: clinical testing. Allele origin: germline.
Comment: This sequence change replaces glutamic acid with valine at codon 1702 of the SCN4A protein (p.Glu1702Val). The glutamic acid residue is highly conserved and there is a moderate physicochemical difference between glutamic acid and valine. This variant is not present in population databases (ExAC no frequency). In summary, the available evidence is currently insufficient to determine the role of this variant in disease. Therefore, it has been classified as a Variant of Uncertain Significance. This variant disrupts the p.Glu1702 amino acid residue in SCN4A. Other variant(s) that disrupt this residue have been observed in individuals with SCN4A-related conditions (PMID: 15534250), which suggests that this may be a clinically significant amino acid residue. Algorithms developed to predict the effect of missense changes on protein structure and function (SIFT, PolyPhen-2, Align-GVGD) all suggest that this variant is likely to be disruptive, but these predictions have not been confirmed by published functional studies and their clinical significance is uncertain. This variant has not been reported in the literature in individuals with SCN4A-related conditions.

Literature cited by the submitters: PubMed 15534250.